The following is an entry in ClinVar:

ClinVar aggregate classification (germline): Uncertain significance (1 of 4 stars; one submission).

Submission:

Labcorp Genetics (formerly Invitae), Labcorp
Classification: Uncertain significance. Last evaluated: 2024-08-15. Review status: criteria provided, single submitter. Criteria: Invitae Variant Classification Sherloc (09022015). Collection method: clinical testing. Allele origin: germline.
Comment: This sequence change replaces leucine, which is neutral and non-polar, with proline, which is neutral and non-polar, at codon 836 of the NSD1 protein (p.Leu836Pro). This variant is not present in population databases (gnomAD no frequency). This variant has not been reported in the literature in individuals affected with NSD1-related conditions. Invitae Evidence Modeling of protein sequence and biophysical properties (such as structural, functional, and spatial information, amino acid conservation, physicochemical variation, residue mobility, and thermodynamic stability) indicates that this missense variant is not expected to disrupt NSD1 protein function with a negative predictive value of 95%. In summary, the available evidence is currently insufficient to determine the role of this variant in disease. Therefore, it has been classified as a Variant of Uncertain Significance.

NM_022455.5(NSD1):c.2507T>C (p.Leu836Pro)

Gene: NSD1 (nuclear receptor binding SET domain protein 1; plus strand). Cytogenetic location: 5q35.3.
Variant type: single nucleotide variant.
Coding change: c.2507T>C on transcript NM_022455.5 (MANE Select); coding-DNA position 2507, T replaced by C.
Protein change: p.Leu836Pro; replaces leucine 836 with proline.
Molecular consequence: missense variant.
Genome position (GRCh38, 1-based): chr5:177,210,906, T>C. VCF-style: chr5-177210906-T-C. GRCh37 (hg19) VCF-style: chr5-176637907-T-C.
Other names: c.1634T>C, p.Leu545Pro (NM_001365684.2, NM_172349.5, NM_001409306.1 and 3 more transcripts); c.2507T>C, p.Leu836Pro (NM_001409301.1, NM_001409302.1, NM_001409303.1); c.2087T>C, p.Leu696Pro (NM_001409304.1); c.1754T>C, p.Leu585Pro (NM_001409305.1); short protein forms L696P, L836P, L545P, L585P.
Identifiers: ClinVar variation 3671322 (VCV003671322.2).
Genomic context (GRCh38, chr5:177,210,906, plus strand): 5'-CTTCTGATACCAAAGGCTCTCCTTTGGCCAGCATTTCTAAAAGTGGGAAAGTGGATGGTC[T>C]AAAACTACTGAACAATATGCATGAGAAAACCAGGGATTCAAGTGACATAGAAACAGCAGT-3'
Protein context (NP_071900.2, residues 826-846): SISKSGKVDG[Leu836Pro]KLLNNMHEKT